The following is an entry in ClinVar:

ClinVar aggregate classification (germline): Uncertain significance. Review status: criteria provided, multiple submitters, no conflicts (2 of 4 stars). 2 submissions from 2 submitters: Uncertain significance (2). Last evaluated 2024-12-06.

Conditions:
Chilton-Okur-Chung neurodevelopmental syndrome (CHOCNS). Identifiers: MedGen C5677022, MONDO:0859239, OMIM 619841.

Submissions (2):

Dasa
Classification: Uncertain significance. Last evaluated: 2024-12-06. Review status: criteria provided, single submitter. Criteria: DASA Assertion Criteria. Collection method: clinical testing. Allele origin: germline.
Comment: NM_006035.4(CDC42BPB):c.1750A>T (p.Met584Leu) is a missense variant that results in the substitution of methionine with leucine. This variant is absent from population databases. Computational prediction algorithms are consistent with a benign effect. The currently available literature and clinical evidence are not sufficient to establish a definitive association between this variant and the reported condition. Therefore, this variant is classified as a variant of uncertain significance.

Laboratorio de Genetica e Diagnostico Molecular, Hospital Israelita Albert Einstein
Classification: Uncertain significance for Chilton-Okur-Chung neurodevelopmental syndrome. Last evaluated: 2024-05-28. Review status: criteria provided, single submitter. Criteria: ACMG Guidelines, 2015. Collection method: clinical testing. Allele origin: germline. Affected: yes.
Comment: ACMG classification criteria: PM2 supporting, PP2 supporting, BP4 supporting

NM_006035.4(CDC42BPB):c.1750A>T (p.Met584Leu)

Gene: CDC42BPB (CDC42 binding protein kinase beta; minus strand). Cytogenetic location: 14q32.32.
Variant type: single nucleotide variant.
Coding change: c.1750A>T on transcript NM_006035.4 (MANE Select); coding-DNA position 1750, A replaced by T.
Protein change: p.Met584Leu; replaces methionine 584 with leucine.
Molecular consequence: missense variant.
Genome position (GRCh38, 1-based): chr14:102,972,053, T>A on the plus strand (A>T on the coding strand, the complement: CDC42BPB is on the minus strand). VCF-style: chr14-102972053-T-A. GRCh37 (hg19) VCF-style: chr14-103438390-T-A.
Other names: c.1750A>T, p.Met584Leu (NM_001411054.1); short protein forms M584L.
Identifiers: ClinVar variation 3902052 (VCV003902052.3).
Genomic context (GRCh38, chr14:102,972,053, plus strand): 5'-CCTCCTCCTTGTCTCGCAGCTGCCGGGACACCTTCTGCTTCTGGGCACGGAGCTCTGCCA[T>A]GCGCTCGTTCAGCTCCGAGAACTCCTGCAGGGCCAGCTTTCGCTGCTGATGGGCATCTTT-3'
Protein context (NP_006026.3, residues 574-594): LQEFSELNER[Met584Leu]AELRAQKQKV